The following is an entry in ClinVar:

NM_022114.4(PRDM16):c.1781G>A (p.Arg594Lys)

Gene: PRDM16 (PR/SET domain 16; plus strand). Cytogenetic location: 1p36.32.
Variant type: single nucleotide variant.
Coding change: c.1781G>A on transcript NM_022114.4 (MANE Select); coding-DNA position 1781, G replaced by A.
Protein change: p.Arg594Lys; replaces arginine 594 with lysine.
Molecular consequence: missense variant.
Genome position (GRCh38, 1-based): chr1:3,411,978, G>A. VCF-style: chr1-3411978-G-A. GRCh37 (hg19) VCF-style: chr1-3328542-G-A.
Other names: c.1781G>A, p.Arg594Lys (NM_199454.3); short protein forms R594K.
Identifiers: ClinVar variation 3671631 (VCV003671631.2).
Genomic context (GRCh38, chr1:3,411,978, plus strand): 5'-GGCCCGAGGAGAAGTTCGAGAGCCGCCTGGAGGACTCCTGTGTGGAGAAGCTGAAGACCA[G>A]GAGCAGCGACATGTCGGACGGCAGTGACTTTGAGGACGTCAACACCACCACGGGGACCGA-3'
Protein context (NP_071397.3, residues 584-604): EDSCVEKLKT[Arg594Lys]SSDMSDGSDF

ClinVar aggregate classification (germline): Uncertain significance (1 of 4 stars; one submission).

Conditions:
Left ventricular noncompaction 8 (LVNC8). Identifiers: Orphanet 154, Orphanet 54260, MedGen C3809288, MONDO:0014152, OMIM 615373.

Submission:

Labcorp Genetics (formerly Invitae), Labcorp
Classification: Uncertain significance for Left ventricular noncompaction 8. Last evaluated: 2024-04-10. Review status: criteria provided, single submitter. Criteria: Invitae Variant Classification Sherloc (09022015). Collection method: clinical testing. Allele origin: germline.
Comment: This sequence change replaces arginine, which is basic and polar, with lysine, which is basic and polar, at codon 594 of the PRDM16 protein (p.Arg594Lys). This variant is not present in population databases (gnomAD no frequency). This variant has not been reported in the literature in individuals affected with PRDM16-related conditions. An algorithm developed to predict the effect of missense changes on protein structure and function (PolyPhen-2) suggests that this variant is likely to be tolerated. In summary, the available evidence is currently insufficient to determine the role of this variant in disease. Therefore, it has been classified as a Variant of Uncertain Significance.